The following is an entry in ClinVar:

ClinVar aggregate classification (germline): Likely benign (1 of 4 stars; one submission).

Allele frequency attached by ClinVar (database versions not stated): TOPMed below 0.00001; gnomAD 0.00001.
gnomAD v4.1: 7 of 1,614,094 alleles (0.00043%); highest among the groups gnomAD compares: South Asian, 0.0044%; no homozygotes.

Submission:

CeGaT Center for Human Genetics Tuebingen
Classification: Likely benign. Last evaluated: 2022-06-01. Review status: criteria provided, single submitter. Criteria: CeGaT Center For Human Genetics Tuebingen Variant Classification Criteria Version 2. Collection method: clinical testing. Allele origin: germline. Affected: yes. Observed: 1 variant allele.
Comment: IYD: BP4, BP7

NM_203395.3(IYD):c.657C>T (p.Ile219=)

Gene: IYD (iodotyrosine deiodinase; plus strand). Cytogenetic location: 6q25.1.
Variant type: single nucleotide variant.
Coding change: c.657C>T on transcript NM_203395.3 (MANE Select); coding-DNA position 657, C replaced by T.
Protein change: p.Ile219=; no amino-acid change (isoleucine 219 retained).
Molecular consequence: synonymous variant. On other transcripts: non-coding transcript variant (1).
Genome position (GRCh38, 1-based): chr6:150,394,225, C>T. VCF-style: chr6-150394225-C-T. GRCh37 (hg19) VCF-style: chr6-150715361-C-T.
Other names: c.657C>T, p.Ile219= (NM_001164694.2, NM_001164695.2); c.411C>T, p.Ile137= (NM_001318495.2).
Identifiers: ClinVar variation 2656995 (VCV002656995.24), dbSNP rs1778229254, ClinGen allele CA452568207.
Genomic context (GRCh38, chr6:150,394,225, plus strand): 5'-TGGTTTCGCCGCAAATGGCAAGAAAAAAGTCCACTACTACAATGAGATCAGTGTTTCCAT[C>T]GCTTGTGGCATCCTGCTAGCTGCCCTGCAGGTATGTTGAGACATCAAGGGTTACAGGGTG-3'
Protein context (NP_981932.1, residues 209-229): VHYYNEISVS[Ile219=]ACGILLAALQ